The following is an entry in ClinVar:

ClinVar aggregate classification (germline): Uncertain significance (1 of 4 stars; one submission).

Conditions:
Dilated cardiomyopathy 1G (CMD1G). Identifiers: Orphanet 154, MedGen C1858763, MONDO:0011400, OMIM 604145.
Autosomal recessive limb-girdle muscular dystrophy type 2J (LGMDR10). Also called: Limb-girdle muscular dystrophy, type 2J; MUSCULAR DYSTROPHY, LIMB-GIRDLE, AUTOSOMAL RECESSIVE 10. Identifiers: Orphanet 140922, MedGen C1837342, MONDO:0012127, OMIM 608807.

Submission:

Labcorp Genetics (formerly Invitae), Labcorp
Classification: Uncertain significance for Dilated cardiomyopathy 1G; Autosomal recessive limb-girdle muscular dystrophy type 2J. Last evaluated: 2021-12-17. Review status: criteria provided, single submitter. Criteria: Invitae Variant Classification Sherloc (09022015). Collection method: clinical testing. Allele origin: germline.
Comment: This sequence change replaces valine, which is neutral and non-polar, with leucine, which is neutral and non-polar, at codon 13183 of the TTN protein (p.Val13183Leu). This variant also falls at the last nucleotide of exon 207, which is part of the consensus splice site for this exon. This variant is not present in population databases (gnomAD no frequency). This variant has not been reported in the literature in individuals affected with TTN-related conditions. Experimental studies and prediction algorithms are not available or were not evaluated, and the functional significance of this variant is currently unknown. Variants that disrupt the consensus splice site are a relatively common cause of aberrant splicing (PMID: 17576681, 9536098). Algorithms developed to predict the effect of sequence changes on RNA splicing suggest that this variant may disrupt the consensus splice site. This variant is located in the I band of TTN (PMID: 25589632). Variants in this region may be clinically relevant, but have not been definitively shown to cause cardiomyopathy or neuromuscular disease (PMID: 27493940, 32778822). In summary, the available evidence is currently insufficient to determine the role of this variant in disease. Therefore, it has been classified as a Variant of Uncertain Significance.

Literature cited by the submitters: PubMed 17576681; PubMed 9536098; PubMed 25589632; PubMed 27493940; PubMed 32778822.

NM_001267550.2(TTN):c.39547G>C (p.Val13183Leu)

Gene: TTN (titin; minus strand). Cytogenetic location: 2q31.2.
Variant type: single nucleotide variant.
Coding change: c.39547G>C on transcript NM_001267550.2 (MANE Select); coding-DNA position 39547, G replaced by C.
Protein change: p.Val13183Leu; replaces valine 13183 with leucine.
Molecular consequence: missense variant. On other transcripts: intron variant (3).
Genome position (GRCh38, 1-based): chr2:178,651,453, C>G on the plus strand (G>C on the coding strand, the complement: TTN is on the minus strand). VCF-style: chr2-178651453-C-G. GRCh37 (hg19) VCF-style: chr2-179516180-C-G.
Other names: c.35026G>C, p.Val11676Leu (NM_001256850.1); c.32245G>C, p.Val10749Leu (NM_133378.4); c.13283-9136G>C (NM_003319.4); c.13859-9136G>C (NM_133437.4); c.13658-9136G>C (NM_133432.3); short protein forms V10749L, V11676L, V13183L.
Identifiers: ClinVar variation 1494978 (VCV001494978.6), dbSNP rs2154249791, ClinGen allele CA349454987.